The following is an entry in ClinVar:

NM_199420.4(POLQ):c.5828A>T (p.Asp1943Val)

Gene: POLQ (DNA polymerase theta; minus strand). Cytogenetic location: 3q13.33.
Variant type: single nucleotide variant.
Coding change: c.5828A>T on transcript NM_199420.4 (MANE Select); coding-DNA position 5828, A replaced by T.
Protein change: p.Asp1943Val; replaces aspartic acid 1943 with valine.
Molecular consequence: missense variant.
Genome position (GRCh38, 1-based): chr3:121,483,528, T>A on the plus strand (A>T on the coding strand, the complement: POLQ is on the minus strand). VCF-style: chr3-121483528-T-A. GRCh37 (hg19) VCF-style: chr3-121202375-T-A.
Other names: short protein forms D1943V.
Identifiers: ClinVar variation 1749917 (VCV001749917.2), dbSNP rs2546781811, ClinGen allele CA354088707.

ClinVar aggregate classification (germline): Uncertain significance (1 of 4 stars; one submission).

Submission:

Ambry Genetics
Classification: Uncertain significance. Last evaluated: 2023-09-23. Review status: criteria provided, single submitter. Criteria: Ambry Variant Classification Scheme 2023. Collection method: clinical testing. Allele origin: germline.
Comment: The p.D1943V variant (also known as c.5828A>T), located in coding exon 18 of the POLQ gene, results from an A to T substitution at nucleotide position 5828. The aspartic acid at codon 1943 is replaced by valine, an amino acid with highly dissimilar properties. This amino acid position is conserved. In addition, this alteration is predicted to be tolerated by in silico analysis. Since supporting evidence is limited at this time, the clinical significance of this alteration remains unclear.